The following is an entry in ClinVar:

NM_001943.5(DSG2):c.1088C>T (p.Ser363Leu)

Gene: DSG2 (desmoglein 2; plus strand). Cytogenetic location: 18q12.1.
Variant type: single nucleotide variant.
Coding change: c.1088C>T on transcript NM_001943.5 (MANE Select); coding-DNA position 1088, C replaced by T.
Protein change: p.Ser363Leu; replaces serine 363 with leucine.
Molecular consequence: missense variant.
Genome position (GRCh38, 1-based): chr18:31,531,060, C>T. VCF-style: chr18-31531060-C-T. GRCh37 (hg19) VCF-style: chr18-29111023-C-T.
Other names: short protein forms S363L.
Identifiers: ClinVar variation 1440037 (VCV001440037.8), dbSNP rs751527714, ClinGen allele CA402138412.
Genomic context (GRCh38, chr18:31,531,060, plus strand): 5'-AAGAAATGAAGAATCTTGACTTCAGTGTTATTGTCGCTAATAAAGCAGCTTTTCACAAGT[C>T]GATTAGGAGTAAATACAAGCCTACACCCATTCCCATCAAGGTCAAAGTGAAAAATGTGAA-3'
Protein context (NP_001934.2, residues 353-373): IVANKAAFHK[Ser363Leu]IRSKYKPTPI

ClinVar aggregate classification (germline): Uncertain significance. Review status: criteria provided, multiple submitters, no conflicts (2 of 4 stars). 2 submissions from 2 submitters: Uncertain significance (2). Last evaluated 2025-09-23.

Conditions:
Cardiomyopathy (CMYO). Also called: Cardiomyopathies. Identifiers: Orphanet 167848, MedGen C0878544, MONDO:0004994, HP:0001638. Inheritance: Various modes of inheritance.
Arrhythmogenic right ventricular dysplasia 10. Also called: Arrhythmogenic Right Ventricular Dysplasia/Cardiomyopathy10; ARRHYTHMOGENIC RIGHT VENTRICULAR DYSPLASIA, FAMILIAL, 10; Arrhythmogenic right ventricular dysplasia/cardiomyopathy, type 10. Identifiers: MedGen C1857777, MONDO:0012434, OMIM 610193.

Allele frequency attached by ClinVar (database versions not stated): gnomAD exomes below 0.00001; TOPMed 0.00001.
gnomAD v4.1: 5 of 1,613,944 alleles (0.00031%); highest among the groups gnomAD compares: East Asian, 0.0022%; no homozygotes.

Submissions (2):

Color Diagnostics, LLC DBA Color Health
Classification: Uncertain significance for Cardiomyopathy. Last evaluated: 2025-09-23. Review status: criteria provided, single submitter. Criteria: ACMG Guidelines, 2015. Collection method: clinical testing. Allele origin: germline.
Comment: This missense variant replaces serine with leucine at codon 363 of the DSG2 protein. Computational prediction suggests that this variant may not impact protein structure and function. To our knowledge, functional studies have not been reported for this variant. This variant has not been reported in individuals affected with DSG2-related disorders in the literature. This variant has not been identified in the general population by the Genome Aggregation Database (gnomAD). The available evidence is insufficient to determine the role of this variant in disease conclusively. Therefore, this variant is classified as a Variant of Uncertain Significance.

Labcorp Genetics (formerly Invitae), Labcorp
Classification: Uncertain significance for Arrhythmogenic right ventricular dysplasia 10. Last evaluated: 2023-05-22. Review status: criteria provided, single submitter. Criteria: Invitae Variant Classification Sherloc (09022015). Collection method: clinical testing. Allele origin: germline.
Comment: Advanced modeling of protein sequence and biophysical properties (such as structural, functional, and spatial information, amino acid conservation, physicochemical variation, residue mobility, and thermodynamic stability) performed at Invitae indicates that this missense variant is not expected to disrupt DSG2 protein function. In summary, the available evidence is currently insufficient to determine the role of this variant in disease. Therefore, it has been classified as a Variant of Uncertain Significance. ClinVar contains an entry for this variant (Variation ID: 1440037). This variant has not been reported in the literature in individuals affected with DSG2-related conditions. This variant is not present in population databases (gnomAD no frequency). This sequence change replaces serine, which is neutral and polar, with leucine, which is neutral and non-polar, at codon 363 of the DSG2 protein (p.Ser363Leu).